The following is an entry in ClinVar:

NM_001042492.3(NF1):c.1663T>G (p.Leu555Val)

Gene: NF1 (neurofibromin 1; plus strand). Cytogenetic location: 17q11.2.
Variant type: single nucleotide variant.
Coding change: c.1663T>G on transcript NM_001042492.3 (MANE Select); coding-DNA position 1663, T replaced by G.
Protein change: p.Leu555Val; replaces leucine 555 with valine.
Molecular consequence: missense variant.
Genome position (GRCh38, 1-based): chr17:31,221,871, T>G. VCF-style: chr17-31221871-T-G. GRCh37 (hg19) VCF-style: chr17-29548889-T-G.
Other names: c.1663T>G, p.Leu555Val (NM_000267.4, NM_001128147.3); short protein forms L555V.
Identifiers: ClinVar variation 1719483 (VCV001719483.5), dbSNP rs2144004019, ClinGen allele CA399002248.
Genomic context (GRCh38, chr17:31,221,871, plus strand): 5'-GAGTCTTCTCTTTGTCTTTCTCTTTTTTAAAAAATTCAGGCTCTGCTGGTTCTTCATCAG[T>G]TAGATAGCATTGATTTGTGGAATCCTGATGCTCCTGTAGAAACATTTTGGGAGATTAGGT-3'
Protein context (NP_001035957.1, residues 545-565): AMEALLVLHQ[Leu555Val]DSIDLWNPDA

ClinVar aggregate classification (germline): Uncertain significance (1 of 4 stars; one submission).

Conditions:
Neurofibromatosis, type 1 (NF1). Also called: Peripheral type neurofibromatosis; VON RECKLINGHAUSEN DISEASE; NEUROFIBROMATOSIS, TYPE I, SOMATIC; Neurofibromatosis, type I. Identifiers: Orphanet 636, MedGen C0027831, MONDO:0018975, OMIM 162200. Disease mechanism: loss of function.

Submission:

Labcorp Genetics (formerly Invitae), Labcorp
Classification: Uncertain significance for Neurofibromatosis, type 1. Last evaluated: 2026-01-02. Review status: criteria provided, single submitter. Criteria: Invitae Variant Classification Sherloc (09022015). Collection method: clinical testing. Allele origin: germline.
Comment: This sequence change replaces leucine, which is neutral and non-polar, with valine, which is neutral and non-polar, at codon 555 of the NF1 protein (p.Leu555Val). This variant is not present in population databases (gnomAD no frequency). This variant has not been reported in the literature in individuals affected with NF1-related conditions. ClinVar contains an entry for this variant (Variation ID: 1719483). Invitae Evidence Modeling of protein sequence and biophysical properties (such as structural, functional, and spatial information, amino acid conservation, physicochemical variation, residue mobility, and thermodynamic stability) indicates that this missense variant is not expected to disrupt NF1 protein function with a negative predictive value of 95%. In summary, the available evidence is currently insufficient to determine the role of this variant in disease. Therefore, it has been classified as a Variant of Uncertain Significance.